The following is an entry in ClinVar:

ClinVar aggregate classification (germline): Uncertain significance. Review status: criteria provided, multiple submitters, no conflicts (2 of 4 stars). 2 submissions from 2 submitters: Uncertain significance (2). Last evaluated 2025-11-15.

Conditions:
Autoimmune lymphoproliferative syndrome type 1. Also called: AUTOIMMUNE LYMPHOPROLIFERATIVE SYNDROME, TYPE I, AUTOSOMAL DOMINANT. Identifiers: Orphanet 3261, MedGen C2717884, MONDO:0011158, OMIM 601859.

Submissions (2):

Labcorp Genetics (formerly Invitae), Labcorp
Classification: Uncertain significance for Autoimmune lymphoproliferative syndrome. Last evaluated: 2025-11-15. Review status: criteria provided, single submitter. Criteria: Invitae Variant Classification Sherloc (09022015). Collection method: clinical testing. Allele origin: germline.
Comment: This sequence change replaces arginine, which is basic and polar, with lysine, which is basic and polar, at codon 128 of the FAS protein (p.Arg128Lys). This variant is not present in population databases (gnomAD no frequency). This variant has not been reported in the literature in individuals affected with FAS-related conditions. ClinVar contains an entry for this variant (Variation ID: 1463937). An algorithm developed to predict the effect of missense changes on protein structure and function outputs the following: PolyPhen-2: "Possibly Damaging". The lysine amino acid residue is found in multiple mammalian species, which suggests that this missense change does not adversely affect protein function. In summary, the available evidence is currently insufficient to determine the role of this variant in disease. Therefore, it has been classified as a Variant of Uncertain Significance.

Dasa
Classification: Uncertain significance. Last evaluated: 2025-02-15. Review status: criteria provided, single submitter. Criteria: DASA Assertion Criteria. Collection method: clinical testing. Allele origin: germline.
Comment: NM_000043.6(FAS):c.383G>A (p.Arg128Lys) is a missense variant that results in the substitution of arginine with lysine. This variant is absent from population databases. Computational prediction algorithms are consistent with a benign effect. The currently available literature and clinical evidence are not sufficient to establish a definitive association between this variant and the reported condition. Therefore, this variant is classified as a variant of uncertain significance.

NM_000043.6(FAS):c.383G>A (p.Arg128Lys)

Gene: FAS (Fas cell surface death receptor; plus strand). Cytogenetic location: 10q23.31.
Variant type: single nucleotide variant.
Coding change: c.383G>A on transcript NM_000043.6 (MANE Select); coding-DNA position 383, G replaced by A.
Protein change: p.Arg128Lys; replaces arginine 128 with lysine.
Molecular consequence: missense variant. On other transcripts: non-coding transcript variant (1).
Genome position (GRCh38, 1-based): chr10:89,008,937, G>A. VCF-style: chr10-89008937-G-A. GRCh37 (hg19) VCF-style: chr10-90768694-G-A.
Other names: c.383G>A, p.Arg128Lys (NM_001320619.2, NM_152871.4, NM_152872.4); short protein forms R128K.
Identifiers: ClinVar variation 1463937 (VCV001463937.8), dbSNP rs2133514262, ClinGen allele CA377508653.